The following is an entry in ClinVar:

ClinVar aggregate classification (germline): Uncertain significance (1 of 4 stars; one submission).

Conditions:
Joubert syndrome. Also called: CEREBELLOPARENCHYMAL DISORDER IV; JOUBERT-BOLTSHAUSER SYNDROME; Familial aplasia of the vermis. Identifiers: Orphanet 475, MedGen C5979921, MONDO:0018772.
Nephronophthisis. Also called: Juvenile Nephronophthisis. Identifiers: Orphanet 655, MedGen C0687120, MONDO:0019005, HP:0000090.
Meckel-Gruber syndrome. Also called: DYSENCEPHALIA SPLANCHNOCYSTICA; GRUBER SYNDROME; Dysencephalia splachnocystica. Identifiers: Orphanet 564, MedGen C0265215, MONDO:0018921.

Submission:

Labcorp Genetics (formerly Invitae), Labcorp
Classification: Uncertain significance for Joubert syndrome; Meckel-Gruber syndrome; Nephronophthisis. Last evaluated: 2024-01-22. Review status: criteria provided, single submitter. Criteria: Invitae Variant Classification Sherloc (09022015). Collection method: clinical testing. Allele origin: germline.
Comment: This sequence change replaces glutamine, which is neutral and polar, with arginine, which is basic and polar, at codon 1540 of the CEP290 protein (p.Gln1540Arg). This variant is not present in population databases (gnomAD no frequency). This variant has not been reported in the literature in individuals affected with CEP290-related conditions. ClinVar contains an entry for this variant (Variation ID: 2420677). Advanced modeling of protein sequence and biophysical properties (such as structural, functional, and spatial information, amino acid conservation, physicochemical variation, residue mobility, and thermodynamic stability) performed at Invitae indicates that this missense variant is expected to disrupt CEP290 protein function with a positive predictive value of 80%. In summary, the available evidence is currently insufficient to determine the role of this variant in disease. Therefore, it has been classified as a Variant of Uncertain Significance.

NM_025114.4(CEP290):c.4619A>G (p.Gln1540Arg)

Gene: CEP290 (centrosomal protein 290; minus strand). Cytogenetic location: 12q21.32.
Variant type: single nucleotide variant.
Coding change: c.4619A>G on transcript NM_025114.4 (MANE Select); coding-DNA position 4619, A replaced by G.
Protein change: p.Gln1540Arg; replaces glutamine 1540 with arginine.
Molecular consequence: missense variant.
Genome position (GRCh38, 1-based): chr12:88,084,671, T>C on the plus strand (A>G on the coding strand, the complement: CEP290 is on the minus strand). VCF-style: chr12-88084671-T-C. GRCh37 (hg19) VCF-style: chr12-88478448-T-C.
Other names: short protein forms Q1540R.
Identifiers: ClinVar variation 2420677 (VCV002420677.8), dbSNP rs2499987030, ClinGen allele CA385994972.